The following is an entry in ClinVar:

ClinVar aggregate classification (germline): Pathogenic (1 of 4 stars; one submission).

Conditions:
Hereditary cancer-predisposing syndrome. Also called: Neoplastic Syndromes, Hereditary; Tumor predisposition; Hereditary neoplastic syndrome; Hereditary Cancer Syndrome. Identifiers: Orphanet 140162, MedGen C0027672, MeSH D009386, MONDO:0015356.

Submission:

Ambry Genetics
Classification: Pathogenic for Hereditary cancer-predisposing syndrome. Last evaluated: 2023-10-17. Review status: criteria provided, single submitter. Criteria: Ambry Variant Classification Scheme 2023. Collection method: clinical testing. Allele origin: germline.
Comment: The c.2001delG pathogenic mutation, located in coding exon 11 of the PMS2 gene, results from a deletion of one nucleotide at nucleotide position 2001, causing a translational frameshift with a predicted alternate stop codon (p.I668*). This alteration is expected to result in loss of function by premature protein truncation or nonsense-mediated mRNA decay. As such, this alteration is interpreted as a disease-causing mutation.

NM_000535.7(PMS2):c.2001del (p.Glu667_Ile668insTer)

Gene: PMS2 (PMS1 homolog 2, mismatch repair system component; minus strand). Cytogenetic location: 7p22.1.
Variant type: Deletion.
Coding change: c.2001del on transcript NM_000535.7 (MANE Select); coding-DNA position 2001, one base deleted (G; older notation c.2001delG).
Protein change: p.Glu667_Ile668insTer.
Molecular consequence: frameshift variant. On other transcripts: nonsense (1), non-coding transcript variant (1), intron variant (1).
Genome position (GRCh38, 1-based): chr7:5,986,764, C deleted on the plus strand (G on the coding strand, the reverse complement: PMS2 is on the minus strand). VCF-style (leftmost placement, unchanged base first): chr7-5986763-TC-T. GRCh37 (hg19) VCF-style: chr7-6026394-TC-T.
Other names: c.1596delG, p.Ile533Terfs (NM_001018040.1); c.1596del, p.Glu532_Ile533insTer (NM_001322003.2, NM_001322004.2, NM_001322005.2 and 16 more transcripts); c.1845del, p.Glu615_Ile616insTer (NM_001322006.2, NM_001406870.1); c.1683del, p.Glu561_Ile562insTer (NM_001322007.2, NM_001322008.2, NM_001406876.1 and 2 more transcripts); c.1440del, p.Glu480_Ile481insTer (NM_001322010.2, NM_001406906.1, NM_001406907.1); c.1068del, p.Glu356_Ile357insTer (NM_001322011.2, NM_001322012.2); c.1428del, p.Glu476_Ile477insTer (NM_001322013.2, NM_001406909.1); c.2001del, p.Glu667_Ile668insTer (NM_001322014.2, NM_001406871.1, NM_001406872.1); and 14 more.
Identifiers: ClinVar variation 3231995 (VCV003231995.1), dbSNP rs2535699474, ClinGen allele CA2825001540.